The following is an entry in ClinVar:

NM_003873.7(NRP1):c.1551C>T (p.Ile517=)

Gene: NRP1 (neuropilin 1; minus strand). Cytogenetic location: 10p11.22.
Variant type: single nucleotide variant.
Coding change: c.1551C>T on transcript NM_003873.7 (MANE Select); coding-DNA position 1551, C replaced by T.
Protein change: p.Ile517=; no amino-acid change (isoleucine 517 retained).
Molecular consequence: synonymous variant. On other transcripts: non-coding transcript variant (1).
Genome position (GRCh38, 1-based): chr10:33,213,449, G>A on the plus strand (C>T on the coding strand, the complement: NRP1 is on the minus strand). VCF-style: chr10-33213449-G-A. GRCh37 (hg19) VCF-style: chr10-33502377-G-A.
Other names: c.1551C>T, p.Ile517= (NM_001024628.3, NM_001024629.3, NM_001244972.2 and 2 more transcripts).
Identifiers: ClinVar variation 3047251 (VCV003047251.2), dbSNP rs145877773, ClinGen allele CA5466625.
Genomic context (GRCh38, chr10:33,213,449, plus strand): 5'-CGCCTTGCGTTTGCTGTCATCCATGATCATCTTCCAGTCCGAGCCGTTGTTGCTGTACCC[G>A]ATCTTGAACTTCCTCATGAACACCTTGTTCTCTCGGTGCTTCCCACCCTGAATGATGATG-3'
Protein context (NP_003864.5, residues 507-527): ENKVFMRKFK[Ile517=]GYSNNGSDWK

ClinVar aggregate classification (germline): Likely benign (0 of 4 stars; one submission).

Conditions:
NRP1-related disorder. Also called: NRP1-related condition.

Allele frequency attached by ClinVar (database versions not stated): ExAC 0.00026; TOPMed 0.00034; gnomAD 0.00035; ESP Exome Variant Server 0.00015; 1000 Genomes Project 30x 0.00047; 1000 Genomes Project 0.00060.

Submission:

PreventionGenetics, part of Exact Sciences
Classification: Likely benign for NRP1-related condition. Last evaluated: 2021-08-18. Review status: no assertion criteria provided. Collection method: clinical testing. Allele origin: germline.
Comment: This variant is classified as likely benign based on ACMG/AMP sequence variant interpretation guidelines (Richards et al. 2015 PMID: 25741868, with internal and published modifications).